The following is an entry in ClinVar:

ClinVar aggregate classification (germline): Uncertain significance (1 of 4 stars; one submission).

Conditions:
Familial sleep-related hypermotor epilepsy. Also called: Autosomal Dominant Sleep-Related Hypermotor (Hyperkinetic) Epilepsy. Identifiers: Orphanet 98784, MedGen C3696898, MONDO:0000030.

Submission:

Labcorp Genetics (formerly Invitae), Labcorp
Classification: Uncertain significance. Last evaluated: 2019-10-18. Review status: criteria provided, single submitter. Criteria: Invitae Variant Classification Sherloc (09022015). Collection method: clinical testing. Allele origin: germline.
Comment: A gross deletion of the genomic region encompassing the full coding sequence of the CHRNA4 gene has been identified. The boundaries of this event are unknown as the deletion extends beyond the assayed region for this gene and therefore may encompass additional genes. This variant has not been reported in the literature in individuals with CHRNA4-related disease. The current clinical and genetic evidence is not sufficient to establish whether loss-of-function variants in CHRNA4 cause disease. In summary, the available evidence is currently insufficient to determine the role of this variant in disease. Therefore, it has been classified as a Variant of Uncertain Significance.

NC_000020.10:g.(?_61977556)_(62046499_?)del

Genes: CHRNA4 (cholinergic receptor nicotinic alpha 4 subunit; minus strand), KCNQ2 (potassium voltage-gated channel subfamily Q member 2; minus strand). Cytogenetic location: 20q13.33.
Variant type: Deletion.
Identifiers: ClinVar variation 833387 (VCV000833387.1).